The following is an entry in ClinVar:

ClinVar aggregate classification (germline): Uncertain significance. Review status: criteria provided, multiple submitters, no conflicts (2 of 4 stars). 4 submissions from 4 submitters: Uncertain significance (4). Last evaluated 2026-04-01.

Conditions:
FLAD1-related disorder. Also called: FLAD1-related condition.

Allele frequency attached by ClinVar (database versions not stated): 1000 Genomes Project 30x 0.00016; 1000 Genomes Project 0.00020; ExAC 0.00023; gnomAD 0.00024; gnomAD exomes 0.00024 and 0.00038; TOPMed 0.00033; ESP Exome Variant Server 0.00054.
gnomAD v4.1: 589 of 1,612,950 alleles (0.037%); highest among the groups gnomAD compares: Admixed American, 0.072%; no homozygotes.

Submissions (4):

CeGaT Center for Human Genetics Tuebingen
Classification: Uncertain significance. Last evaluated: 2026-04-01. Review status: criteria provided, single submitter. Criteria: CeGaT Center For Human Genetics Tuebingen Variant Classification Criteria Version 2. Collection method: clinical testing. Allele origin: germline. Affected: yes. Observed: 1 variant allele.
Comment: FLAD1: PM2:Supporting, BP4

PreventionGenetics, part of Exact Sciences
Classification: Uncertain significance for FLAD1-related condition. Last evaluated: 2025-05-01. Review status: criteria provided, single submitter. Criteria: ACMG Guidelines, 2015. Collection method: clinical testing. Allele origin: germline.
Comment: The FLAD1 c.203A>G variant is predicted to result in the amino acid substitution p.Asp68Gly. To our knowledge, this variant has not been reported in the literature. This variant is reported in 0.065% of alleles in individuals of Latino descent in gnomAD. Although we suspect that this variant may be benign, at this time, the clinical significance of this variant is uncertain due to the absence of conclusive functional and genetic evidence.

GeneDx
Classification: Uncertain significance. Last evaluated: 2024-11-25. Review status: criteria provided, single submitter. Criteria: GeneDx Variant Classification Process June 2021. Collection method: clinical testing. Allele origin: germline. Affected: yes.
Comment: In silico analysis indicates that this missense variant does not alter protein structure/function; Has not been previously published as pathogenic or benign to our knowledge

Labcorp Genetics (formerly Invitae), Labcorp
Classification: Uncertain significance. Last evaluated: 2022-09-06. Review status: criteria provided, single submitter. Criteria: Invitae Variant Classification Sherloc (09022015). Collection method: clinical testing. Allele origin: germline.
Comment: This sequence change replaces aspartic acid, which is acidic and polar, with glycine, which is neutral and non-polar, at codon 68 of the FLAD1 protein (p.Asp68Gly). This variant is present in population databases (rs150060495, gnomAD 0.06%). This variant has not been reported in the literature in individuals affected with FLAD1-related conditions. ClinVar contains an entry for this variant (Variation ID: 1343852). Algorithms developed to predict the effect of missense changes on protein structure and function are either unavailable or do not agree on the potential impact of this missense change (SIFT: "Deleterious"; PolyPhen-2: "Benign"; Align-GVGD: "Class C0"). In summary, the available evidence is currently insufficient to determine the role of this variant in disease. Therefore, it has been classified as a Variant of Uncertain Significance.

NM_025207.5(FLAD1):c.203A>G (p.Asp68Gly)

Gene: FLAD1 (flavin adenine dinucleotide synthetase 1; plus strand). Cytogenetic location: 1q21.3.
Variant type: single nucleotide variant.
Coding change: c.203A>G on transcript NM_025207.5 (MANE Select); coding-DNA position 203, A replaced by G.
Protein change: p.Asp68Gly; replaces aspartic acid 68 with glycine.
Molecular consequence: missense variant. On other transcripts: 5 prime UTR variant (3).
Genome position (GRCh38, 1-based): chr1:154,983,897, A>G. VCF-style: chr1-154983897-A-G. GRCh37 (hg19) VCF-style: chr1-154956373-A-G.
Other names: c.-89A>G (NM_001184891.2, NM_201398.3); c.-734A>G (NM_001184892.2); short protein forms D68G.
Identifiers: ClinVar variation 1343852 (VCV001343852.9), dbSNP rs150060495, ClinGen allele CA1134250.
Genomic context (GRCh38, chr1:154,983,897, plus strand): 5'-TCCAGGTTCCCTCGACCCAGGACCCCCTGTTCCCAGGCTATGGCCCCCAGTGCCCTGTAG[A>G]CCTGGCAGGCCCCCCGTGCTTGCGACCCCTATTTGGGGGTCTGGGTGGCTACTGGAGGGC-3'
Protein context (NP_079483.3, residues 58-78): FPGYGPQCPV[Asp68Gly]LAGPPCLRPL